The following is an entry in ClinVar:

ClinVar aggregate classification (germline): Uncertain significance. Review status: criteria provided, multiple submitters, no conflicts (2 of 4 stars). 4 submissions from 4 submitters: Uncertain significance (3). 1 of the submissions does not count toward it. Last evaluated 2025-12-09.

Conditions:
APC-related disorder. Also called: APC-related condition.
Hereditary cancer-predisposing syndrome. Also called: Hereditary neoplastic syndrome; Neoplastic Syndromes, Hereditary; Hereditary Cancer Syndrome; Tumor predisposition. Identifiers: Orphanet 140162, MedGen C0027672, MeSH D009386, MONDO:0015356.
Familial adenomatous polyposis 1 (FAP1). Also called: POLYPOSIS, ADENOMATOUS INTESTINAL; FAMILIAL ADENOMATOUS POLYPOSIS 1, ATTENUATED. Identifiers: MedGen C2713442, MONDO:0021056, OMIM 175100. Disease mechanism: loss of function.

Allele frequency attached by ClinVar (database versions not stated): TOPMed 0.00002.
gnomAD v4.1: 53 of 1,003,750 alleles (0.0053%); highest among the groups gnomAD compares: Non-Finnish European, 0.0066%; no homozygotes.

Submissions (4):

Labcorp Genetics (formerly Invitae), Labcorp
Classification: Uncertain significance for Familial adenomatous polyposis 1. Last evaluated: 2025-12-09. Review status: criteria provided, single submitter. Criteria: Invitae Variant Classification Sherloc (09022015). Collection method: clinical testing. Allele origin: germline.
Comment: This variant occurs in a non-coding region of the APC gene. It does not change the encoded amino acid sequence of the APC protein. This variant is not present in population databases (gnomAD no frequency). This variant has not been reported in the literature in individuals affected with APC-related conditions. ClinVar contains an entry for this variant (Variation ID: 469826). Experimental studies and prediction algorithms are not available or were not evaluated, and the functional significance of this variant is currently unknown. In summary, the available evidence is currently insufficient to determine the role of this variant in disease. Therefore, it has been classified as a Variant of Uncertain Significance.

Blueprint Genetics
Classification: Uncertain significance. Last evaluated: 2024-10-09. Review status: criteria provided, single submitter. Criteria: ACMG Guidelines, 2015. Collection method: clinical testing. Allele origin: germline.

Color Diagnostics, LLC DBA Color Health
Classification: Uncertain significance for Hereditary cancer-predisposing syndrome. Last evaluated: 2024-06-20. Review status: criteria provided, single submitter. Criteria: ACMG Guidelines, 2015. Collection method: clinical testing. Allele origin: germline.
Comment: This variant is located in the 5' untranslated region of an alternative transcript of the APC gene. To our knowledge, functional studies have not been reported for this variant. This variant has not been reported in individuals affected with hereditary cancer in the literature. This variant has not been identified in the general population by the Genome Aggregation Database (gnomAD). The available evidence is insufficient to determine the role of this variant in disease conclusively. Therefore, this variant is classified as a Variant of Uncertain Significance.

PreventionGenetics, part of Exact Sciences
Classification: Likely benign for APC-related condition. Last evaluated: 2020-11-13. Review status: no assertion criteria provided. Collection method: clinical testing. Allele origin: germline. Not counted in ClinVar's aggregate classification.
Comment: This variant is classified as likely benign based on ACMG/AMP sequence variant interpretation guidelines (Richards et al. 2015 PMID: 25741868, with internal and published modifications).

NM_001127511.3(APC):c.-126G>A

Gene: APC (APC regulator of Wnt signaling pathway; plus strand). Cytogenetic location: 5q22.2.
Variant type: single nucleotide variant.
Coding change: c.-126G>A on transcript NM_001127511.3; 126 bases upstream of the start codon, G replaced by A.
Molecular consequence: 5 prime UTR variant. On other transcripts: non-coding transcript variant (2), genic upstream transcript variant (1).
Genome position (GRCh38, 1-based): chr5:112,707,592, G>A. VCF-style: chr5-112707592-G-A. GRCh37 (hg19) VCF-style: chr5-112043289-G-A.
Other names: c.-309G>A (NM_001354895.2, NM_001407447.1, NM_001407452.1 and 3 more transcripts); c.-126G>A (NM_001354897.2, NM_001354902.2, NM_001407446.1); c.-76G>A (NM_001407448.1, NM_001407450.1, NM_001407457.1 and 1 more transcripts); c.-100G>A (NM_001407453.1); c.-1344G>A (NM_001407470.1, NM_001407472.1); c.-30352G>A (NM_000038.6).
Identifiers: ClinVar variation 469826 (VCV000469826.17), dbSNP rs948080320, ClinGen allele CA124924998.